The following is an entry in ClinVar:

ClinVar aggregate classification (germline): Uncertain significance. Review status: criteria provided, multiple submitters, no conflicts (2 of 4 stars). 2 submissions from 2 submitters: Uncertain significance (2). Last evaluated 2025-11-01.

Conditions:
TFRC-related combined immunodeficiency. Also called: Immunodeficiency 46. Identifiers: Orphanet 476113, MedGen C5568133, MONDO:0014760, OMIM 616740.

Allele frequency attached by ClinVar (database versions not stated): ExAC 0.00001; gnomAD exomes 0.00003 and 0.00004; TOPMed 0.00003; gnomAD 0.00007.
gnomAD v4.1: 64 of 1,613,466 alleles (0.004%); highest among the groups gnomAD compares: Non-Finnish European, 0.0052%; no homozygotes.

Submissions (2):

Labcorp Genetics (formerly Invitae), Labcorp
Classification: Uncertain significance. Last evaluated: 2025-11-01. Review status: criteria provided, single submitter. Criteria: Invitae Variant Classification Sherloc (09022015). Collection method: clinical testing. Allele origin: germline.
Comment: This sequence change replaces aspartic acid, which is acidic and polar, with glycine, which is neutral and non-polar, at codon 245 of the TFRC protein (p.Asp245Gly). This variant is present in population databases (rs753091176, gnomAD 0.005%). This variant has not been reported in the literature in individuals affected with TFRC-related conditions. ClinVar contains an entry for this variant (Variation ID: 1357636). Invitae Evidence Modeling of protein sequence and biophysical properties (such as structural, functional, and spatial information, amino acid conservation, physicochemical variation, residue mobility, and thermodynamic stability) indicates that this missense variant is not expected to disrupt TFRC protein function with a negative predictive value of 80%. In summary, the available evidence is currently insufficient to determine the role of this variant in disease. Therefore, it has been classified as a Variant of Uncertain Significance.

Department of Pathology and Laboratory Medicine, Sinai Health System
Classification: Uncertain significance for TFRC-related combined immunodeficiency. Last evaluated: 2023-01-22. Review status: criteria provided, single submitter. Criteria: ACMG Guidelines, 2015. Collection method: research. Allele origin: germline.

NM_001128148.3(TFRC):c.734A>G (p.Asp245Gly)

Gene: TFRC (transferrin receptor; minus strand). Cytogenetic location: 3q29.
Variant type: single nucleotide variant.
Coding change: c.734A>G on transcript NM_001128148.3 (MANE Select); coding-DNA position 734, A replaced by G.
Protein change: p.Asp245Gly; replaces aspartic acid 245 with glycine.
Molecular consequence: missense variant. On other transcripts: 5 prime UTR variant (1).
Genome position (GRCh38, 1-based): chr3:196,069,522, T>C on the plus strand (A>G on the coding strand, the complement: TFRC is on the minus strand). VCF-style: chr3-196069522-T-C. GRCh37 (hg19) VCF-style: chr3-195796393-T-C.
Other names: c.491A>G, p.Asp164Gly (NM_001313965.2); c.-113A>G (NM_001313966.2); c.734A>G, p.Asp245Gly (NM_003234.4); short protein forms D245G, D164G.
Identifiers: ClinVar variation 1357636 (VCV001357636.9), dbSNP rs753091176, ClinGen allele CA2778202.